The following is an entry in ClinVar:

NM_000382.3(ALDH3A2):c.936C>T (p.Tyr312=)

Gene: ALDH3A2 (aldehyde dehydrogenase 3 family member A2; plus strand). Cytogenetic location: 17p11.2.
Variant type: single nucleotide variant.
Coding change: c.936C>T on transcript NM_000382.3 (MANE Select); coding-DNA position 936, C replaced by T.
Protein change: p.Tyr312=; no amino-acid change (tyrosine 312 retained).
Molecular consequence: synonymous variant.
Genome position (GRCh38, 1-based): chr17:19,661,264, C>T. VCF-style: chr17-19661264-C-T. GRCh37 (hg19) VCF-style: chr17-19564577-C-T.
Other names: c.936C>T, p.Tyr312= (NM_001031806.2, NM_001369136.1, NM_001369137.2 and 3 more transcripts); c.357C>T, p.Tyr119= (NM_001369148.2); c.936C>T (NM_000382.2).
Identifiers: ClinVar variation 1079323 (VCV001079323.8), dbSNP rs370799289, ClinGen allele CA8442950.

ClinVar aggregate classification (germline): Likely benign. Review status: criteria provided, multiple submitters, no conflicts (2 of 4 stars). 2 submissions from 2 submitters: Likely benign (2). Last evaluated 2026-01-19.

Conditions:
ALDH3A2-related disorder. Also called: ALDH3A2-related condition.

Allele frequency attached by ClinVar (database versions not stated): gnomAD exomes 0.00001; ExAC 0.00003; gnomAD 0.00006; ESP Exome Variant Server 0.00008; TOPMed 0.00008; 1000 Genomes Project 30x 0.00016; 1000 Genomes Project 0.00020.
gnomAD v4.1: 19 of 1,614,140 alleles (0.0012%); highest among the groups gnomAD compares: African/African-American, 0.023%; no homozygotes.

Submissions (2):

Labcorp Genetics (formerly Invitae), Labcorp
Classification: Likely benign. Last evaluated: 2026-01-19. Review status: criteria provided, single submitter. Criteria: Invitae Variant Classification Sherloc (09022015). Collection method: clinical testing. Allele origin: germline.

PreventionGenetics, part of Exact Sciences
Classification: Likely benign for ALDH3A2-related condition. Last evaluated: 2025-05-29. Review status: criteria provided, single submitter. Criteria: ACMG Guidelines, 2015. Collection method: clinical testing. Allele origin: germline.
Comment: This variant is classified as likely benign based on ACMG/AMP sequence variant interpretation guidelines (Richards et al. 2015 PMID: 25741868, with internal and published modifications).